The following is an entry in ClinVar:

NM_001278116.2(L1CAM):c.1098G>A (p.Trp366Ter)

Gene: L1CAM (L1 cell adhesion molecule; minus strand). Cytogenetic location: Xq28.
Variant type: single nucleotide variant.
Coding change: c.1098G>A on transcript NM_001278116.2 (MANE Select); coding-DNA position 1098, G replaced by A.
Protein change: p.Trp366Ter; replaces tryptophan 366 with a stop codon.
Molecular consequence: nonsense.
Genome position (GRCh38, 1-based): chrX:153,869,828, C>T on the plus strand (G>A on the coding strand, the complement: L1CAM is on the minus strand). VCF-style: chrX-153869828-C-T. GRCh37 (hg19) VCF-style: chrX-153135283-C-T.
Other names: c.1098G>A, p.Trp366Ter (NM_000425.5, NM_024003.3); c.1083G>A, p.Trp361Ter (NM_001143963.2); short protein forms W361*, W366*.
Identifiers: ClinVar variation 3768659 (VCV003768659.1).
Genomic context (GRCh38, chrX:153,869,828, plus strand): 5'-CCACACTCCCCACTCCTGCCTGAGGCCCTGCTCACCCTCCACAGGGATCCCGTTGATTCT[C>T]CAGGTGACCTCTGGTTGGGGCCTGCCCTGGACTTGGCAGTCCAGGCGGGCAGTCTCTCCT-3'

ClinVar aggregate classification (germline): Pathogenic (1 of 4 stars; one submission).

Conditions:
L1 syndrome. Identifiers: Orphanet 275543, MedGen C5779710, MONDO:0017140.

Submission:

Women's Health and Genetics/Laboratory Corporation of America, LabCorp
Classification: Pathogenic for L1 syndrome. Last evaluated: 2025-02-26. Review status: criteria provided, single submitter. Criteria: LabCorp Variant Classification Summary - May 2015. Collection method: clinical testing. Allele origin: germline.
Comment: Variant summary: L1CAM c.1098G>A (p.Trp366*) results in a premature termination codon, predicted to cause a truncation of the encoded protein or absence of the protein due to nonsense mediated decay, which are commonly known mechanisms for disease. The variant was absent in 178023 control chromosomes. c.1098G>A has been reported in the literature in at least one individual with hydrocephalus (e.g., Jin_2024). The following publication has been ascertained in the context of this evaluation (PMID: 39251974). No submitters have cited clinical-significance assessments for this variant to ClinVar. Based on the evidence outlined above, the variant was classified as pathogenic.

Literature cited by the submitters: PubMed 39251974.